The following is an entry in ClinVar:

NM_018089.3(ANKZF1):c.1706G>A (p.Arg569Gln)

Gene: ANKZF1 (ankyrin repeat and zinc finger peptidyl tRNA hydrolase 1; plus strand). Cytogenetic location: 2q35.
Variant type: single nucleotide variant.
Coding change: c.1706G>A on transcript NM_018089.3 (MANE Select); coding-DNA position 1706, G replaced by A.
Protein change: p.Arg569Gln; replaces arginine 569 with glutamine.
Molecular consequence: missense variant.
Genome position (GRCh38, 1-based): chr2:219,235,488, G>A. VCF-style: chr2-219235488-G-A. GRCh37 (hg19) VCF-style: chr2-220100210-G-A.
Other names: c.1706G>A, p.Arg569Gln (NM_001042410.2); c.1076G>A, p.Arg359Gln (NM_001282792.2); c.1706G>A (NM_018089.2); short protein forms R359Q, R569Q.
Identifiers: ClinVar variation 3719418 (VCV003719418.3).

ClinVar aggregate classification (germline): Uncertain significance. Review status: criteria provided, multiple submitters, no conflicts (2 of 4 stars). 2 submissions from 2 submitters: Uncertain significance (2). Last evaluated 2025-07-21.

gnomAD v4.1: 9 of 1,613,822 alleles (0.00056%); highest among the groups gnomAD compares: East Asian, 0.0022%; no homozygotes.

Submissions (2):

Labcorp Genetics (formerly Invitae), Labcorp
Classification: Uncertain significance. Last evaluated: 2025-07-21. Review status: criteria provided, single submitter. Criteria: Invitae Variant Classification Sherloc (09022015). Collection method: clinical testing. Allele origin: germline.
Comment: This sequence change replaces arginine, which is basic and polar, with glutamine, which is neutral and polar, at codon 569 of the ANKZF1 protein (p.Arg569Gln). This variant is present in population databases (rs757617410, gnomAD 0.004%). This variant has not been reported in the literature in individuals affected with ANKZF1-related conditions. ClinVar contains an entry for this variant (Variation ID: 3719418). An algorithm developed to predict the effect of missense changes on protein structure and function outputs the following: PolyPhen-2: "Benign". The glutamine amino acid residue is found in multiple mammalian species, which suggests that this missense change does not adversely affect protein function. In summary, the available evidence is currently insufficient to determine the role of this variant in disease. Therefore, it has been classified as a Variant of Uncertain Significance.

Ambry Genetics
Classification: Uncertain significance. Last evaluated: 2025-06-24. Review status: criteria provided, single submitter. Criteria: Ambry Variant Classification Scheme 2023. Collection method: clinical testing. Allele origin: germline.